The following is an entry in ClinVar:

ClinVar aggregate classification (germline): Uncertain significance. Review status: criteria provided, multiple submitters, no conflicts (2 of 4 stars). 2 submissions from 2 submitters: Uncertain significance (2). Last evaluated 2024-06-07.

Conditions:
Autosomal recessive hypophosphatemic bone disease (HHRH). Also called: HYPERCALCIURIC RICKETS; Hypophosphatemic rickets with hypercalciuria. Identifiers: Orphanet 157215, MedGen C1853271, MONDO:0009431, OMIM 241530.

Submissions (2):

Fulgent Genetics
Classification: Uncertain significance for Autosomal recessive hypophosphatemic bone disease. Last evaluated: 2024-06-07. Review status: criteria provided, single submitter. Criteria: ACMG Guidelines, 2015. Collection method: clinical testing. Allele origin: germline.

Labcorp Genetics (formerly Invitae), Labcorp
Classification: Uncertain significance. Last evaluated: 2019-07-12. Review status: criteria provided, single submitter. Criteria: Invitae Variant Classification Sherloc (09022015). Collection method: clinical testing. Allele origin: germline.
Comment: In summary, the available evidence is currently insufficient to determine the role of this variant in disease. Therefore, it has been classified as a Variant of Uncertain Significance. Experimental studies and prediction algorithms are not available or were not evaluated for this variant, and the functional significance of the affected amino acid(s) is currently unknown. This variant has not been reported in the literature in individuals with SLC34A3-related conditions. The frequency data for this variant in the population databases is considered unreliable, as metrics indicate poor data quality at this position in the ExAC database. This variant, c.179_199del, results in the deletion of 7 amino acid(s) of the SLC34A3 protein (p.Leu60_Leu66del), but otherwise preserves the integrity of the reading frame.

NM_001177316.2(SLC34A3):c.179_199del (p.Leu60_Leu66del)

Gene: SLC34A3 (solute carrier family 34 member 3; plus strand). Cytogenetic location: 9q34.3.
Variant type: Deletion.
Coding change: c.179_199del on transcript NM_001177316.2 (MANE Select); coding-DNA positions 179 to 199, 21 bases deleted (TCCGCGTGGCCGGCAGGCTGC).
Protein change: p.Leu60_Leu66del.
Molecular consequence: inframe deletion.
Genome position (GRCh38, 1-based): chr9:137,232,578-137,232,598, TCCGCGTGGCCGGCAGGCTGC deleted; deleting any 21 consecutive bases within chr9:137,232,576-137,232,598 gives the same sequence; the c. name uses the placement nearest the transcript's 3' end. VCF-style (leftmost placement, unchanged base first): chr9-137232575-AGCTCCGCGTGGCCGGCAGGCT-A. GRCh37 (hg19) VCF-style: chr9-140127027-AGCTCCGCGTGGCCGGCAGGCT-A.
Other names: c.179_199del, p.Leu60_Leu66del (NM_001177317.2, NM_080877.3).
Identifiers: ClinVar variation 950226 (VCV000950226.9), dbSNP rs749421435, ClinGen allele CA5364255.